The following is an entry in ClinVar:

NM_014844.5(TECPR2):c.3787C>A (p.Gln1263Lys)

Gene: TECPR2 (tectonin beta-propeller repeat containing 2; plus strand). Cytogenetic location: 14q32.31.
Variant type: single nucleotide variant.
Coding change: c.3787C>A on transcript NM_014844.5 (MANE Select); coding-DNA position 3787, C replaced by A.
Protein change: p.Gln1263Lys; replaces glutamine 1263 with lysine.
Molecular consequence: missense variant.
Genome position (GRCh38, 1-based): chr14:102,465,287, C>A. VCF-style: chr14-102465287-C-A. GRCh37 (hg19) VCF-style: chr14-102931624-C-A.
Other names: c.3787C>A, p.Gln1263Lys (NM_001172631.3); short protein forms Q1263K.
Identifiers: ClinVar variation 2061102 (VCV002061102.1), dbSNP rs760420826, ClinGen allele CA7358336.

ClinVar aggregate classification (germline): Uncertain significance (1 of 4 stars; one submission).

Conditions:
Hereditary spastic paraplegia 49 (HSAN9). Also called: TECPR2-Related Hereditary Sensory and Autonomic Neuropathy with Intellectual Disability; NEUROPATHY, HEREDITARY SENSORY AND AUTONOMIC, TYPE IX, WITH DEVELOPMENTAL DELAY; Spastic paraplegia 49, autosomal recessive. Identifiers: Orphanet 320385, MedGen C5190860, MONDO:0014016, OMIM 615031.

Allele frequency attached by ClinVar (database versions not stated): TOPMed below 0.00001; gnomAD 0.00001; gnomAD exomes 0.00001; ExAC 0.00007.
gnomAD v4.1: 9 of 1,613,172 alleles (0.00056%); highest among the groups gnomAD compares: East Asian, 0.02%; no homozygotes.

Submission:

Labcorp Genetics (formerly Invitae), Labcorp
Classification: Uncertain significance for Hereditary spastic paraplegia 49. Last evaluated: 2022-03-22. Review status: criteria provided, single submitter. Criteria: Invitae Variant Classification Sherloc (09022015). Collection method: clinical testing. Allele origin: germline.
Comment: This sequence change replaces glutamine, which is neutral and polar, with lysine, which is basic and polar, at codon 1263 of the TECPR2 protein (p.Gln1263Lys). This variant is present in population databases (rs760420826, gnomAD 0.06%). This variant has not been reported in the literature in individuals affected with TECPR2-related conditions. Algorithms developed to predict the effect of missense changes on protein structure and function are either unavailable or do not agree on the potential impact of this missense change (SIFT: "Deleterious"; PolyPhen-2: "Benign"; Align-GVGD: "Class C0"). In summary, the available evidence is currently insufficient to determine the role of this variant in disease. Therefore, it has been classified as a Variant of Uncertain Significance.